The following is an entry in ClinVar:

ClinVar aggregate classification (germline): Conflicting classifications of pathogenicity. Review status: criteria provided, conflicting classifications (1 of 4 stars). 2 submissions from 2 submitters: Uncertain significance (1); Likely benign (1). Last evaluated 2024-10-15.

Conditions:
Tumor predisposition syndrome 3 (TPDS3). Also called: Melanoma, cutaneous malignant, susceptibility to, 10; Glioma susceptibility 9; LONG TELOMERE SYNDROME, POT1-RELATED; POT1 Tumor Predisposition. Identifiers: Orphanet 618, MedGen C4014476, MONDO:0014368, OMIM 615848.
Hereditary cancer-predisposing syndrome. Also called: Tumor predisposition; Hereditary Cancer Syndrome; Hereditary neoplastic syndrome; Neoplastic Syndromes, Hereditary. Identifiers: Orphanet 140162, MedGen C0027672, MeSH D009386, MONDO:0015356.

gnomAD v4.1: 2 of 1,610,100 alleles (0.00012%); highest among the groups gnomAD compares: East Asian, 0.0022%; no homozygotes.

Submissions (2):

Labcorp Genetics (formerly Invitae), Labcorp
Classification: Uncertain significance for Tumor predisposition syndrome 3. Last evaluated: 2024-10-15. Review status: criteria provided, single submitter. Criteria: Invitae Variant Classification Sherloc (09022015). Collection method: clinical testing. Allele origin: germline.
Comment: This sequence change replaces proline, which is neutral and non-polar, with glutamine, which is neutral and polar, at codon 446 of the POT1 protein (p.Pro446Gln). This variant is not present in population databases (gnomAD no frequency). This variant has not been reported in the literature in individuals affected with POT1-related conditions. Invitae Evidence Modeling of protein sequence and biophysical properties (such as structural, functional, and spatial information, amino acid conservation, physicochemical variation, residue mobility, and thermodynamic stability) indicates that this missense variant is not expected to disrupt POT1 protein function with a negative predictive value of 80%. Experimental studies have shown that this missense change affects POT1 function (PMID: 28393830). In summary, the available evidence is currently insufficient to determine the role of this variant in disease. Therefore, it has been classified as a Variant of Uncertain Significance.

Ambry Genetics
Classification: Likely benign for Hereditary cancer-predisposing syndrome. Last evaluated: 2024-08-30. Review status: criteria provided, single submitter. Criteria: Ambry Variant Classification Scheme 2023. Collection method: clinical testing. Allele origin: germline.

Literature cited by the submitters: PubMed 28393830 (cited by Labcorp Genetics (formerly Invitae), Labcorp).

NM_015450.3(POT1):c.1337C>A (p.Pro446Gln)

Gene: POT1 (protection of telomeres 1; minus strand). Cytogenetic location: 7q31.33.
Variant type: single nucleotide variant.
Coding change: c.1337C>A on transcript NM_015450.3 (MANE Select); coding-DNA position 1337, C replaced by A.
Protein change: p.Pro446Gln; replaces proline 446 with glutamine.
Molecular consequence: missense variant. On other transcripts: non-coding transcript variant (3).
Genome position (GRCh38, 1-based): chr7:124,841,005, G>T on the plus strand (C>A on the coding strand, the complement: POT1 is on the minus strand). VCF-style: chr7-124841005-G-T. GRCh37 (hg19) VCF-style: chr7-124481059-G-T.
Other names: c.944C>A, p.Pro315Gln (NM_001042594.2); short protein forms P446Q, P315Q.
Identifiers: ClinVar variation 3423091 (VCV003423091.3).